The following is an entry in ClinVar:

NM_178014.4(TUBB):c.718C>T (p.Leu240Phe)

Gene: TUBB (tubulin beta class I; plus strand). Cytogenetic location: 6p21.33.
Variant type: single nucleotide variant.
Coding change: c.718C>T on transcript NM_178014.4 (MANE Select); coding-DNA position 718, C replaced by T.
Protein change: p.Leu240Phe; replaces leucine 240 with phenylalanine.
Molecular consequence: missense variant. On other transcripts: intron variant (1).
Genome position (GRCh38, 1-based): chr6:30,723,780, C>T. VCF-style: chr6-30723780-C-T. GRCh37 (hg19) VCF-style: chr6-30691557-C-T.
Other names: c.778C>T, p.Leu260Phe (NM_001293212.2); c.586C>T, p.Leu196Phe (NM_001293214.2); c.502C>T, p.Leu168Phe (NM_001293215.2, NM_001293216.2); c.370-258C>T (NM_001293213.2); short protein forms L168F, L196F, L240F, L260F.
Identifiers: ClinVar variation 1303639 (VCV001303639.2), dbSNP rs1250107611, ClinGen allele CA363148230.

ClinVar aggregate classification (germline): Uncertain significance (1 of 4 stars; one submission).

Submission:

GeneDx
Classification: Uncertain significance. Last evaluated: 2021-06-14. Review status: criteria provided, single submitter. Criteria: GeneDx Variant Classification Process June 2021. Collection method: clinical testing. Allele origin: germline. Affected: yes.
Comment: Not observed at significant frequency in large population cohorts (Lek et al., 2016); In silico analysis supports that this missense variant has a deleterious effect on protein structure/function; This variant is associated with the following publications: (PMID: 28985505, 31302152, 27535533, 32619469)